The following is an entry in ClinVar:

ClinVar aggregate classification (germline): Likely pathogenic (1 of 4 stars; one submission).

Conditions:
Retinitis pigmentosa 38 (RP38). Also called: ROD-CONE DYSTROPHY, CHILDHOOD-ONSET. Identifiers: Orphanet 791, MedGen C3151228, MONDO:0013469, OMIM 613862.

Submission:

ARUP Laboratories, Molecular Genetics and Genomics, ARUP Laboratories
Classification: Likely pathogenic for Retinitis pigmentosa 38. Last evaluated: 2019-03-04. Review status: criteria provided, single submitter. Criteria: ARUP Molecular Germline Variant Investigation Process. Collection method: clinical testing. Allele origin: germline.
Comment: The MERTK c.1450+2T>G variant, to our knowledge, is not reported in the medical literature or gene-specific databases. This variant is also absent from general population databases (Exome Variant Server, Genome Aggregation Database), indicating it is not a common polymorphism. This variant abolishes the canonical splice donor site of intron 9, which is likely to disrupt gene function. Based on available information, this variant is considered to be likely pathogenic.

NM_006343.3(MERTK):c.1450+2T>G

Gene: MERTK (MER proto-oncogene, tyrosine kinase; plus strand). Cytogenetic location: 2q13.
Variant type: single nucleotide variant.
Coding change: c.1450+2T>G on transcript NM_006343.3 (MANE Select); the canonical splice donor site of the intron after coding-DNA position 1450, T replaced by G.
Molecular consequence: splice donor variant.
Genome position (GRCh38, 1-based): chr2:111,994,406, T>G. VCF-style: chr2-111994406-T-G. GRCh37 (hg19) VCF-style: chr2-112751983-T-G.
Identifiers: ClinVar variation 811909 (VCV000811909.8), dbSNP rs1573627154, ClinGen allele CA348230147.